The following is an entry in ClinVar:

NM_000460.4(THPO):c.61T>C (p.Ser21Pro)

Gene: THPO (thrombopoietin; minus strand). Cytogenetic location: 3q27.1.
Variant type: single nucleotide variant.
Coding change: c.61T>C on transcript NM_000460.4 (MANE Select); coding-DNA position 61, T replaced by C.
Protein change: p.Ser21Pro; replaces serine 21 with proline.
Molecular consequence: missense variant.
Genome position (GRCh38, 1-based): chr3:184,375,968, A>G on the plus strand (T>C on the coding strand, the complement: THPO is on the minus strand). VCF-style: chr3-184375968-A-G. GRCh37 (hg19) VCF-style: chr3-184093756-A-G.
Other names: c.61T>C, p.Ser21Pro (NM_001177597.2, NM_001177598.2, NM_001289997.1 and 5 more transcripts); c.481T>C, p.Ser161Pro (NM_001290003.1); short protein forms S161P, S21P.
Identifiers: ClinVar variation 2957669 (VCV002957669.3), dbSNP rs1277050606, ClinGen allele CA355463337.

ClinVar aggregate classification (germline): Uncertain significance (1 of 4 stars; one submission).

Allele frequency attached by ClinVar (database versions not stated): gnomAD exomes below 0.00001; TOPMed below 0.00001.
gnomAD v4.1: 1 of 1,614,000 alleles (0.000062%); highest among the groups gnomAD compares: Admixed American, 0.0017%; no homozygotes.

Submission:

Labcorp Genetics (formerly Invitae), Labcorp
Classification: Uncertain significance. Last evaluated: 2024-04-22. Review status: criteria provided, single submitter. Criteria: Invitae Variant Classification Sherloc (09022015). Collection method: clinical testing. Allele origin: germline.
Comment: This sequence change replaces serine, which is neutral and polar, with proline, which is neutral and non-polar, at codon 21 of the THPO protein (p.Ser21Pro). This variant is present in population databases (no rsID available, gnomAD 0.003%). This variant has not been reported in the literature in individuals affected with THPO-related conditions. Advanced modeling of protein sequence and biophysical properties (such as structural, functional, and spatial information, amino acid conservation, physicochemical variation, residue mobility, and thermodynamic stability) performed at Invitae indicates that this missense variant is not expected to disrupt THPO protein function with a negative predictive value of 80%. In summary, the available evidence is currently insufficient to determine the role of this variant in disease. Therefore, it has been classified as a Variant of Uncertain Significance.